The following is an entry in ClinVar:

NM_206933.4(USH2A):c.10867T>C (p.Tyr3623His)

Gene: USH2A (usherin; minus strand). Cytogenetic location: 1q41.
Variant type: single nucleotide variant.
Coding change: c.10867T>C on transcript NM_206933.4 (MANE Select); coding-DNA position 10867, T replaced by C.
Protein change: p.Tyr3623His; replaces tyrosine 3623 with histidine.
Molecular consequence: missense variant.
Genome position (GRCh38, 1-based): chr1:215,779,915, A>G on the plus strand (T>C on the coding strand, the complement: USH2A is on the minus strand). VCF-style: chr1-215779915-A-G. GRCh37 (hg19) VCF-style: chr1-215953257-A-G.
Other names: short protein forms Y3623H.
Identifiers: ClinVar variation 1035200 (VCV001035200.6), dbSNP rs1440261810, ClinGen allele CA344833627.

ClinVar aggregate classification (germline): Uncertain significance (1 of 4 stars; one submission).

Allele frequency attached by ClinVar (database versions not stated): gnomAD exomes below 0.00001; gnomAD 0.00001.
gnomAD v4.1: 1 of 1,613,740 alleles (0.000062%); highest among the groups gnomAD compares: African/African-American, 0.0013%; no homozygotes.

Submission:

Labcorp Genetics (formerly Invitae), Labcorp
Classification: Uncertain significance. Last evaluated: 2022-08-09. Review status: criteria provided, single submitter. Criteria: Invitae Variant Classification Sherloc (09022015). Collection method: clinical testing. Allele origin: germline.
Comment: This sequence change replaces tyrosine, which is neutral and polar, with histidine, which is basic and polar, at codon 3623 of the USH2A protein (p.Tyr3623His). This variant is present in population databases (no rsID available, gnomAD 0.0009%). This variant has not been reported in the literature in individuals affected with USH2A-related conditions. ClinVar contains an entry for this variant (Variation ID: 1035200). Algorithms developed to predict the effect of missense changes on protein structure and function (SIFT, PolyPhen-2, Align-GVGD) all suggest that this variant is likely to be disruptive. In summary, the available evidence is currently insufficient to determine the role of this variant in disease. Therefore, it has been classified as a Variant of Uncertain Significance.